The following is an entry in ClinVar:

ClinVar aggregate classification (germline): Benign. Review status: criteria provided, multiple submitters, no conflicts (2 of 4 stars). 2 submissions from 2 submitters: Benign (2). Last evaluated 2018-06-18.

Allele frequency attached by ClinVar (database versions not stated): TOPMed 0.12363; gnomAD 0.12410 and 0.12966; 1000 Genomes Project 30x 0.15397; 1000 Genomes Project 0.15555; gnomAD exomes 0.16766.
gnomAD v4.1: 43,847 of 296,428 alleles (15%); highest among the groups gnomAD compares: East Asian, 24%; 3,901 homozygotes.

Submissions (2):

GeneDx
Classification: Benign. Last evaluated: 2018-06-18. Review status: criteria provided, single submitter. Criteria: GeneDx Variant Classification (06012015). Collection method: clinical testing. Allele origin: germline. Affected: yes.
Comment: This variant is considered likely benign or benign based on one or more of the following criteria: it is a conservative change, it occurs at a poorly conserved position in the protein, it is predicted to be benign by multiple in silico algorithms, and/or has population frequency not consistent with disease.

Breakthrough Genomics
Classification: Benign. Review status: criteria provided, single submitter. Criteria: ACMG Guidelines, 2015. Collection method: not provided. Allele origin: germline. Inheritance: Autosomal dominant inheritance. Affected: yes.

NM_001271.4(CHD2):c.1052+323A>G

Gene: CHD2 (chromodomain helicase DNA binding protein 2; plus strand). Cytogenetic location: 15q26.1.
Variant type: single nucleotide variant.
Coding change: c.1052+323A>G on transcript NM_001271.4 (MANE Select); 323 bases into the intron after coding-DNA position 1052, A replaced by G.
Molecular consequence: intron variant.
Genome position (GRCh38, 1-based): chr15:92,943,391, A>G. VCF-style: chr15-92943391-A-G. GRCh37 (hg19) VCF-style: chr15-93486621-A-G.
Other names: c.1052+323A>G (NM_001042572.3).
Identifiers: ClinVar variation 668804 (VCV000668804.2), dbSNP rs12915024, ClinGen allele CA14090886.